The following is an entry in ClinVar:

NM_176806.4(MOCS2):c.126A>C (p.Glu42Asp)

Gene: MOCS2 (molybdenum cofactor synthesis 2; minus strand). Cytogenetic location: 5q11.2.
Variant type: single nucleotide variant.
Coding change: c.126A>C on transcript NM_176806.4 (MANE Plus Clinical); coding-DNA position 126, A replaced by C.
Protein change: p.Glu42Asp; replaces glutamic acid 42 with aspartic acid.
Molecular consequence: missense variant. On other transcripts: 5 prime UTR variant (1).
Genome position (GRCh38, 1-based): chr5:53,108,536, T>G on the plus strand (A>C on the coding strand, the complement: MOCS2 is on the minus strand). VCF-style: chr5-53108536-T-G. GRCh37 (hg19) VCF-style: chr5-52404366-T-G.
Other names: c.-62A>C (NM_004531.5, NM_183418.1); short protein forms E42D.
Identifiers: ClinVar variation 2168543 (VCV002168543.1), dbSNP rs2478617106, ClinGen allele CA359694005.

ClinVar aggregate classification (germline): Uncertain significance (1 of 4 stars; one submission).

Submission:

Labcorp Genetics (formerly Invitae), Labcorp
Classification: Uncertain significance. Last evaluated: 2021-12-02. Review status: criteria provided, single submitter. Criteria: Invitae Variant Classification Sherloc (09022015). Collection method: clinical testing. Allele origin: germline.
Comment: This sequence change replaces glutamic acid, which is acidic and polar, with aspartic acid, which is acidic and polar, at codon 42 of the MOCS2A protein (p.Glu42Asp). This variant is not present in population databases (gnomAD no frequency). This variant has not been reported in the literature in individuals affected with MOCS2A-related conditions. Algorithms developed to predict the effect of missense changes on protein structure and function are either unavailable or do not agree on the potential impact of this missense change (SIFT: "Deleterious"; PolyPhen-2: "Possibly Damaging"; Align-GVGD: "Class C0"). In summary, the available evidence is currently insufficient to determine the role of this variant in disease. Therefore, it has been classified as a Variant of Uncertain Significance.